The following is an entry in ClinVar:

NM_000179.3(MSH6):c.2925C>T (p.Asn975=)

Gene: MSH6 (mutS homolog 6; plus strand). Cytogenetic location: 2p16.3.
Variant type: single nucleotide variant.
Coding change: c.2925C>T on transcript NM_000179.3 (MANE Select); coding-DNA position 2925, C replaced by T.
Protein change: p.Asn975=; no amino-acid change (asparagine 975 retained).
Molecular consequence: synonymous variant.
Genome position (GRCh38, 1-based): chr2:47,800,908, C>T. VCF-style: chr2-47800908-C-T. GRCh37 (hg19) VCF-style: chr2-48028047-C-T.
Other names: p.N975N:AAC>AAT; c.2535C>T, p.Asn845= (NM_001281492.2); c.2019C>T, p.Asn673= (NM_001281494.2, NM_001281493.2).
Identifiers: ClinVar variation 182665 (VCV000182665.33), dbSNP rs139026662, ClinGen allele CA011089.

ClinVar aggregate classification (germline): Benign/Likely benign. Review status: criteria provided, multiple submitters, no conflicts (2 of 4 stars). 14 submissions from 14 submitters: Benign (3); Likely benign (9). 2 of the submissions do not count toward it. Last evaluated 2026-01-06.

Conditions:
MSH6-related disorder. Also called: MSH6-related condition; MSH6-Related disorders.
Breast and/or ovarian cancer. Identifiers: MedGen CN221562.
Hereditary nonpolyposis colorectal neoplasms. Identifiers: MedGen C0009405, MeSH D003123.
Hereditary cancer-predisposing syndrome. Also called: Tumor predisposition; Hereditary Cancer Syndrome; Hereditary neoplastic syndrome; Neoplastic Syndromes, Hereditary. Identifiers: Orphanet 140162, MedGen C0027672, MeSH D009386, MONDO:0015356.
Lynch syndrome. Identifiers: Orphanet 144, MedGen C4552100, MONDO:0005835. Disease mechanism: loss of function.
Lynch syndrome 5 (LYNCH5). Also called: Colorectal cancer, hereditary nonpolyposis, type 5; Hereditary non-polyposis colorectal cancer, type 5. Identifiers: Orphanet 144, MedGen C1833477, MONDO:0013710, OMIM 614350. Disease mechanism: loss of function.

Allele frequency attached by ClinVar (database versions not stated): gnomAD exomes 0.00001 and 0.00004; ExAC 0.00002; ESP Exome Variant Server 0.00008; gnomAD 0.00016; TOPMed 0.00019.
gnomAD v4.1: 43 of 1,584,214 alleles (0.0027%); highest among the groups gnomAD compares: African/African-American, 0.055%; no homozygotes.

Submissions (14):

Labcorp Genetics (formerly Invitae), Labcorp
Classification: Likely benign for Hereditary nonpolyposis colorectal neoplasms. Last evaluated: 2026-01-06. Review status: criteria provided, single submitter. Criteria: Invitae Variant Classification Sherloc (09022015). Collection method: clinical testing. Allele origin: germline.

Center for Genomic Medicine, Rigshospitalet, Copenhagen University Hospital
Classification: Likely benign. Last evaluated: 2025-12-29. Review status: criteria provided, single submitter. Criteria: ACMG Guidelines, 2015. Collection method: clinical testing. Allele origin: germline.

Molecular Diagnostics Laboratory, Catalan Institute of Oncology
Classification: Likely benign for Hereditary cancer-predisposing syndrome. Last evaluated: 2025-05-05. Review status: criteria provided, single submitter. Criteria: ClinGen CRC ACMG Specifications MSH6 V1.0.0. Collection method: clinical testing. Allele origin: germline.
Comment: BS1, BP4, BP7 c.2925C>T, located in exon 4 of the MSH6 gene, is predicted to result in no splicing alteration (according to SpliceAI) and no amino acid change, p.(Asn975=) (BP4, BP7). The variant allele was found in 40/73298 alleles, with a filter allele frequency of 0.041% at 95% confidence, within the African population in the gnomAD v4.1.0 database (BS1). To our knowledge, neither relevant clinical data nor well-stablished functional studies have been reported for this variant. It has been reported in ClinVar (4x B, 8x LB) and LOVD (1x LB). Based on the currently available information, c.2925C>T is classified as a likely benign variant according to ClinGen-MSH6 Guidelines version 1.1.

All of Us Research Program, National Institutes of Health
Classification: Likely benign for Lynch syndrome. Last evaluated: 2024-08-13. Review status: criteria provided, single submitter. Criteria: ACMG Guidelines, 2015. Collection method: clinical testing. Allele origin: germline. Inheritance: Autosomal dominant inheritance. Observed: 11 variant alleles, 11 heterozygotes.
Comment: This study involves interpretation of variants in research participants for the purpose of population health screening. Participant phenotype was not available at the time of variant classification. Additional details can be found in publication PMID: 35346344, PMCID: PMC8962531

Myriad Genetics, Inc.
Classification: Benign for Lynch syndrome 5. Last evaluated: 2023-03-28. Review status: criteria provided, single submitter. Criteria: Myriad Autosomal Dominant, Autosomal Recessive and X-Linked Classification Criteria (2023). Collection method: clinical testing. Allele origin: unknown.
Comment: This variant is considered benign. This variant is a silent/synonymous amino acid change and it is not expected to impact splicing.

Quest Diagnostics Nichols Institute San Juan Capistrano
Classification: Benign. Last evaluated: 2023-01-18. Review status: criteria provided, single submitter. Criteria: Quest Diagnostics criteria. Collection method: clinical testing. Allele origin: unknown.

CHEO Genetics Diagnostic Laboratory, Children's Hospital of Eastern Ontario
Classification: Likely benign for Breast and/or ovarian cancer. Last evaluated: 2022-09-01. Review status: criteria provided, single submitter. Criteria: ACMG Guidelines, 2015. Collection method: clinical testing. Allele origin: germline.

Women's Health and Genetics/Laboratory Corporation of America, LabCorp
Classification: Likely benign. Last evaluated: 2022-02-05. Review status: criteria provided, single submitter. Criteria: LabCorp Variant Classification Summary - May 2015. Collection method: clinical testing. Allele origin: germline.

Sema4
Classification: Likely benign for Hereditary cancer-predisposing syndrome. Last evaluated: 2020-08-06. Review status: criteria provided, single submitter. Criteria: Sema4 Curation Guidelines. Collection method: curation. Allele origin: germline.

Color Diagnostics, LLC DBA Color Health
Classification: Likely benign for Hereditary cancer-predisposing syndrome. Last evaluated: 2015-12-10. Review status: criteria provided, single submitter. Criteria: ACMG Guidelines, 2015. Collection method: clinical testing. Allele origin: germline.

Ambry Genetics
Classification: Likely benign for Hereditary cancer-predisposing syndrome. Last evaluated: 2015-01-22. Review status: criteria provided, single submitter. Criteria: Ambry Variant Classification Scheme 2023. Collection method: clinical testing. Allele origin: germline.

GeneDx
Classification: Benign. Last evaluated: 2014-09-23. Review status: criteria provided, single submitter. Criteria: GeneDx Variant Classification (06012015). Collection method: clinical testing. Allele origin: germline. Affected: yes.
Comment: This variant is considered likely benign or benign based on one or more of the following criteria: it is a conservative change, it occurs at a poorly conserved position in the protein, it is predicted to be benign by multiple in silico algorithms, and/or has population frequency not consistent with disease.

PreventionGenetics, part of Exact Sciences
Classification: Likely benign for MSH6-related condition. Last evaluated: 2019-08-13. Review status: no assertion criteria provided. Collection method: clinical testing. Allele origin: germline. Not counted in ClinVar's aggregate classification.
Comment: This variant is classified as likely benign based on ACMG/AMP sequence variant interpretation guidelines (Richards et al. 2015 PMID: 25741868, with internal and published modifications).

Counsyl
Classification: Likely benign for Lynch syndrome 5. Last evaluated: 2016-01-28. Review status: no assertion criteria provided. Collection method: clinical testing. Allele origin: unknown. Not counted in ClinVar's aggregate classification.